The following is an entry in ClinVar:

ClinVar aggregate classification (germline): Uncertain significance. Review status: criteria provided, multiple submitters, no conflicts (2 of 4 stars). 2 submissions from 2 submitters: Uncertain significance (2). Last evaluated 2024-11-19.

Allele frequency attached by ClinVar (database versions not stated): gnomAD exomes below 0.00001; TOPMed below 0.00001.
gnomAD v4.1: 1 of 1,613,864 alleles (0.000062%); highest among the groups gnomAD compares: African/African-American, 0.0013%; no homozygotes.

Submissions (2):

Labcorp Genetics (formerly Invitae), Labcorp
Classification: Uncertain significance. Last evaluated: 2024-11-19. Review status: criteria provided, single submitter. Criteria: Invitae Variant Classification Sherloc (09022015). Collection method: clinical testing. Allele origin: germline.
Comment: This sequence change replaces proline, which is neutral and non-polar, with leucine, which is neutral and non-polar, at codon 1076 of the MTOR protein (p.Pro1076Leu). This variant is not present in population databases (gnomAD no frequency). This variant has not been reported in the literature in individuals affected with MTOR-related conditions. ClinVar contains an entry for this variant (Variation ID: 2580393). Invitae Evidence Modeling of protein sequence and biophysical properties (such as structural, functional, and spatial information, amino acid conservation, physicochemical variation, residue mobility, and thermodynamic stability) indicates that this missense variant is not expected to disrupt MTOR protein function with a negative predictive value of 95%. In summary, the available evidence is currently insufficient to determine the role of this variant in disease. Therefore, it has been classified as a Variant of Uncertain Significance.

GeneDx
Classification: Uncertain significance. Last evaluated: 2023-03-20. Review status: criteria provided, single submitter. Criteria: GeneDx Variant Classification Process June 2021. Collection method: clinical testing. Allele origin: germline. Affected: yes.
Comment: Not observed at significant frequency in large population cohorts (gnomAD); In silico analysis supports that this missense variant has a deleterious effect on protein structure/function; Has not been previously published as pathogenic or benign to our knowledge

NM_004958.4(MTOR):c.3227C>T (p.Pro1076Leu)

Gene: MTOR (mechanistic target of rapamycin kinase; minus strand). Cytogenetic location: 1p36.22.
Variant type: single nucleotide variant.
Coding change: c.3227C>T on transcript NM_004958.4 (MANE Select); coding-DNA position 3227, C replaced by T.
Protein change: p.Pro1076Leu; replaces proline 1076 with leucine.
Molecular consequence: missense variant.
Genome position (GRCh38, 1-based): chr1:11,213,457, G>A on the plus strand (C>T on the coding strand, the complement: MTOR is on the minus strand). VCF-style: chr1-11213457-G-A. GRCh37 (hg19) VCF-style: chr1-11273514-G-A.
Other names: c.3227C>T, p.Pro1076Leu (NM_001386500.1); c.1979C>T, p.Pro660Leu (NM_001386501.1); short protein forms P1076L, P660L.
Identifiers: ClinVar variation 2580393 (VCV002580393.4), dbSNP rs1474831560, ClinGen allele CA338374792.